The following is an entry in ClinVar:

ClinVar aggregate classification (germline): Likely pathogenic (1 of 4 stars; one submission).

Conditions:
Hurler syndrome. Also called: MUCOPOLYSACCHARIDOSIS TYPE IH; Severe MPS I (Hurler Syndrome); Gargoylism, Hurler Syndrome. Identifiers: Orphanet 93473, MedGen C0086795, MONDO:0011758, OMIM 607014.
Mucopolysaccharidosis, MPS-I-H/S. Also called: Mucopolysaccharidosis type IH/S. Identifiers: Orphanet 93476, MedGen C0086431, MONDO:0011759, OMIM 607015.
Mucopolysaccharidosis, MPS-I-S. Also called: MUCOPOLYSACCHARIDOSIS TYPE IS; Scheie Syndrome; MPS V; MUCOPOLYSACCHARIDOSIS TYPE V. Identifiers: Orphanet 93474, MedGen C0026708, MONDO:0011760, OMIM 607016.

Submission:

Juno Genomics, Hangzhou Juno Genomics, Inc
Classification: Likely pathogenic for Hurler syndrome; Mucopolysaccharidosis, MPS-I-H/S; Mucopolysaccharidosis, MPS-I-S. Review status: criteria provided, single submitter. Criteria: ACMG Guidelines, 2015. Collection method: clinical testing. Allele origin: germline.
Comment: Null variant in a gene where loss of function (LOF) is a known mechanism of disease.;Absent from controls (or at extremely low frequency if recessive) in Genome Aggregation Database.

NM_000203.5(IDUA):c.303del

Gene: IDUA (alpha-L-iduronidase; plus strand). Cytogenetic location: 4p16.3.
Variant type: Deletion.
Coding change: c.303del on transcript NM_000203.5 (MANE Select); coding-DNA position 303, one base deleted (G; older notation c.303delG).
Molecular consequence: splice acceptor variant.
Genome position (GRCh38, 1-based): chr4:1,000,615, G deleted; the last of 5 consecutive G bases (chr4:1,000,611-1,000,615); deleting any one gives the same sequence. VCF-style (leftmost placement, unchanged base first): chr4-1000610-AG-A. GRCh37 (hg19) VCF-style: chr4-994398-AG-A.
Identifiers: ClinVar variation 5006711 (VCV005006711.2).